The following is an entry in ClinVar:

NM_001394372.1(BICRA):c.3177C>T (p.Ser1059=)

Gene: BICRA (BRD4 interacting chromatin remodeling complex associated protein; plus strand). Cytogenetic location: 19q13.33.
Variant type: single nucleotide variant.
Coding change: c.3177C>T on transcript NM_001394372.1 (MANE Select); coding-DNA position 3177, C replaced by T.
Protein change: p.Ser1059=; no amino-acid change (serine 1059 retained).
Molecular consequence: synonymous variant.
Genome position (GRCh38, 1-based): chr19:47,695,465, C>T. VCF-style: chr19-47695465-C-T. GRCh37 (hg19) VCF-style: chr19-48198722-C-T.
Other names: c.3177C>T, p.Ser1059= (NM_015711.3).
Identifiers: ClinVar variation 4534190 (VCV004534190.6).

ClinVar aggregate classification (germline): Likely benign (1 of 4 stars; one submission).

gnomAD v4.1: 166 of 1,543,466 alleles (0.011%); highest among the groups gnomAD compares: East Asian, 0.31%; 1 homozygote.

Submission:

CeGaT Center for Human Genetics Tuebingen
Classification: Likely benign. Last evaluated: 2025-12-01. Review status: criteria provided, single submitter. Criteria: CeGaT Center For Human Genetics Tuebingen Variant Classification Criteria Version 2. Collection method: clinical testing. Allele origin: germline. Affected: yes. Observed: 2 variant alleles.
Comment: BICRA: BP4, BP7